The following is an entry in ClinVar:

ClinVar aggregate classification (germline): Uncertain significance (1 of 4 stars; one submission).

Allele frequency attached by ClinVar (database versions not stated): gnomAD exomes below 0.00001.
gnomAD v4.1: 4 of 1,600,150 alleles (0.00025%); highest among the groups gnomAD compares: Non-Finnish European, 0.00034%; no homozygotes.

Submission:

Laboratory for Molecular Medicine, Mass General Brigham Personalized Medicine
Classification: Uncertain significance. Last evaluated: 2015-05-16. Review status: criteria provided, single submitter. Criteria: LMM Criteria. Collection method: clinical testing. Allele origin: germline. Observed: 1 variant allele.
Comment: The p.Val20714Ile variant in TTN has not been previously reported in individuals with cardiomyopathy or in large population studies. Computational prediction to ols and conservation analysis do not provide strong support for or against an im pact to the protein. In summary, the clinical significance of the p.Val20714Ile variant is uncertain.

NM_001267550.2(TTN):c.69844G>A (p.Val23282Ile)

Genes: TTN (titin; minus strand), TTN-AS1 (TTN antisense RNA 1; plus strand), LOC126806422 (BRD4-independent group 4 enhancer GRCh37_chr2:179440205-179441404; plus strand). Cytogenetic location: 2q31.2.
Variant type: single nucleotide variant.
Coding change: c.69844G>A on transcript NM_001267550.2 (MANE Select); coding-DNA position 69844, G replaced by A.
Protein change: p.Val23282Ile; replaces valine 23282 with isoleucine.
Molecular consequence: missense variant.
Genome position (GRCh38, 1-based): chr2:178,576,288, C>T on the plus strand (G>A on the coding strand, the complement: TTN is on the minus strand). VCF-style: chr2-178576288-C-T. GRCh37 (hg19) VCF-style: chr2-179441015-C-T.
Other names: c.62140G>A, p.Val20714Ile (NM_133378.4); c.64921G>A, p.Val21641Ile (NM_001256850.1); c.42649G>A, p.Val14217Ile (NM_003319.4); c.43024G>A, p.Val14342Ile (NM_133432.3); c.43225G>A, p.Val14409Ile (NM_133437.4); short protein forms V20714I, V23282I, V21641I, V14342I, V14217I, V14409I.
Identifiers: ClinVar variation 229503 (VCV000229503.5), dbSNP rs876658079, ClinGen allele CA10576489.